The following is an entry in ClinVar:

NM_015662.3(IFT172):c.4628C>T (p.Thr1543Met)

Gene: IFT172 (intraflagellar transport 172; minus strand). Cytogenetic location: 2p23.3.
Variant type: single nucleotide variant.
Coding change: c.4628C>T on transcript NM_015662.3 (MANE Select); coding-DNA position 4628, C replaced by T.
Protein change: p.Thr1543Met; replaces threonine 1543 with methionine.
Molecular consequence: missense variant.
Genome position (GRCh38, 1-based): chr2:27,447,546, G>A on the plus strand (C>T on the coding strand, the complement: IFT172 is on the minus strand). VCF-style: chr2-27447546-G-A. GRCh37 (hg19) VCF-style: chr2-27670413-G-A.
Other names: short protein forms T1543M.
Identifiers: ClinVar variation 379774 (VCV000379774.25), dbSNP rs571220836, ClinGen allele CA1579542.

ClinVar aggregate classification (germline): Benign. Review status: criteria provided, multiple submitters, no conflicts (2 of 4 stars). 3 submissions from 3 submitters: Benign (3). Last evaluated 2026-08-01.

Conditions:
Short-rib thoracic dysplasia 10 with or without polydactyly (SRTD10). Identifiers: Orphanet 474, MedGen C3810175, MONDO:0014284, OMIM 615630.
Retinitis pigmentosa 71 (RP71). Identifiers: Orphanet 791, MedGen C4225342, MONDO:0014618, OMIM 616394.

Allele frequency attached by ClinVar (database versions not stated): gnomAD 0.00004 and 0.00049; TOPMed 0.00011; gnomAD exomes 0.00090 and 0.00187; ExAC 0.00198; 1000 Genomes Project 0.00319; 1000 Genomes Project 30x 0.00344.
gnomAD v4.1: 1,387 of 1,614,130 alleles (0.086%); highest among the groups gnomAD compares: South Asian, 1.4%; 17 homozygotes.

Submissions (3):

CeGaT Center for Human Genetics Tuebingen
Classification: Benign. Last evaluated: 2026-08-01. Review status: criteria provided, single submitter. Criteria: CeGaT Center For Human Genetics Tuebingen Variant Classification Criteria Version 2. Collection method: clinical testing. Allele origin: germline. Affected: yes. Observed: 4 variant alleles.
Comment: IFT172: BS1, BS2

Labcorp Genetics (formerly Invitae), Labcorp
Classification: Benign for Retinitis pigmentosa 71; Short-rib thoracic dysplasia 10 with or without polydactyly. Last evaluated: 2026-01-12. Review status: criteria provided, single submitter. Criteria: Invitae Variant Classification Sherloc (09022015). Collection method: clinical testing. Allele origin: germline.

GeneDx
Classification: Benign. Last evaluated: 2017-01-10. Review status: criteria provided, single submitter. Criteria: GeneDx Variant Classification (06012015). Collection method: clinical testing. Allele origin: germline. Affected: yes.
Comment: This variant is considered likely benign or benign based on one or more of the following criteria: it is a conservative change, it occurs at a poorly conserved position in the protein, it is predicted to be benign by multiple in silico algorithms, and/or has population frequency not consistent with disease.